The following is an entry in ClinVar:

ClinVar aggregate classification (germline): Uncertain significance. Review status: criteria provided, multiple submitters, no conflicts (2 of 4 stars). 2 submissions from 2 submitters: Uncertain significance (2). Last evaluated 2025-08-20.

Conditions:
Intellectual disability, autosomal recessive 53 (NEDHSCA). Also called: GLYCOSYLPHOSPHATIDYLINOSITOL BIOSYNTHESIS DEFECT 13; Mental retardation, autosomal recessive 53; NEURODEVELOPMENTAL DISORDER WITH OR WITHOUT HYPOTONIA, SEIZURES, AND CEREBELLAR ATROPHY. Identifiers: Orphanet 488635, MedGen C4310794, MONDO:0014832, OMIM 616917.
Inborn genetic diseases. Identifiers: MedGen C0950123, MeSH D030342.

Allele frequency attached by ClinVar (database versions not stated): TOPMed 0.00001.

Submissions (2):

Ambry Genetics
Classification: Uncertain significance for Inborn genetic diseases. Last evaluated: 2025-08-20. Review status: criteria provided, single submitter. Criteria: Ambry Variant Classification Scheme 2023. Collection method: clinical testing. Allele origin: germline.

Labcorp Genetics (formerly Invitae), Labcorp
Classification: Uncertain significance for Intellectual disability, autosomal recessive 53. Last evaluated: 2022-07-20. Review status: criteria provided, single submitter. Criteria: Invitae Variant Classification Sherloc (09022015). Collection method: clinical testing. Allele origin: germline.
Comment: This sequence change replaces valine, which is neutral and non-polar, with methionine, which is neutral and non-polar, at codon 185 of the PIGG protein (p.Val185Met). This variant is present in population databases (rs782554486, gnomAD 0.01%). This variant has not been reported in the literature in individuals affected with PIGG-related conditions. ClinVar contains an entry for this variant (Variation ID: 1026147). Algorithms developed to predict the effect of missense changes on protein structure and function are either unavailable or do not agree on the potential impact of this missense change (SIFT: "Deleterious"; PolyPhen-2: "Probably Damaging"; Align-GVGD: "Class C15"). In summary, the available evidence is currently insufficient to determine the role of this variant in disease. Therefore, it has been classified as a Variant of Uncertain Significance.

NM_001127178.3(PIGG):c.553G>A (p.Val185Met)

Gene: PIGG (phosphatidylinositol glycan anchor biosynthesis class G (EMM blood group); plus strand). Cytogenetic location: 4p16.3.
Variant type: single nucleotide variant.
Coding change: c.553G>A on transcript NM_001127178.3 (MANE Select); coding-DNA position 553, G replaced by A.
Protein change: p.Val185Met; replaces valine 185 with methionine.
Molecular consequence: missense variant. On other transcripts: 5 prime UTR variant (4), non-coding transcript variant (10), intron variant (1).
Genome position (GRCh38, 1-based): chr4:505,910, G>A. VCF-style: chr4-505910-G-A. GRCh37 (hg19) VCF-style: chr4-499699-G-A.
Other names: c.286G>A, p.Val96Met (NM_001289051.2, NM_001289053.2, NM_001289057.2 and 2 more transcripts); c.187G>A, p.Val63Met (NM_001289055.2); c.-335G>A (NM_001345988.2); c.553G>A, p.Val185Met (NM_001345989.2, NM_017733.5); c.-1073G>A (NM_001345990.2); c.-935G>A (NM_001345991.2); c.-660G>A (NM_001345994.2); c.361-2919G>A (NM_001289052.2); and 1 more; short protein forms V185M, V63M, V96M.
Identifiers: ClinVar variation 1026147 (VCV001026147.7), dbSNP rs782554486, ClinGen allele CA2793014.